The following is an entry in ClinVar:

NM_000545.8(HNF1A):c.968_970delinsCA (p.Gly323fs)

Gene: HNF1A (HNF1 homeobox A; plus strand). Cytogenetic location: 12q24.31.
Variant type: Indel.
Coding change: c.968_970delinsCA on transcript NM_000545.8 (MANE Select); coding-DNA positions 968 to 970, GAC replaced by CA.
Protein change: p.Gly323fs; shifts the reading frame from glycine 323.
Molecular consequence: frameshift variant.
Genome position (GRCh38, 1-based): chr12:120,996,274-120,996,276, GAC replaced by CA. VCF-style: chr12-120996274-GAC-CA. GRCh37 (hg19) VCF-style: chr12-121434077-GAC-CA.
Other names: c.968_970delinsCA, p.Gly323fs (NM_001306179.2, NM_001406915.1); c.968_970delinsCA (NM_000545.6); short protein forms G323fs.
Identifiers: ClinVar variation 5010244 (VCV005010244.1).
Genomic context (GRCh38, chr12:120,996,274, plus strand): 5'-AGGGCAGGGAAGTGGGGTGCTGAGGCAGGACACTGCTTCCCTCTCCAGGTGTGCGCTATG[GAC>CA]AGCCTGCGACCAGTGAGACTGCAGAAGTACCCTCAAGCAGCGGCGGTCCCTTAGTGACAG-3'

ClinVar aggregate classification (germline): Likely pathogenic (1 of 4 stars; one submission).

Submission:

Genetic Services Laboratory, University of Chicago
Classification: Likely pathogenic. Last evaluated: 2025-11-04. Review status: criteria provided, single submitter. Criteria: ACMG Guidelines, 2015. Collection method: clinical testing. Allele origin: germline.
Comment: The c.968_970delinsCA variant: Is a deletion of three base pairs and insertion of two base pairs in exon 5. Results in an amino acid frameshift and creates a premature stop codon 18 amino acids downstream of the change, p.Gly323Alafs*19. Has not been described in population databases such as gnomAD v4. While it has not previously been described in the literature, other loss-of-function variants in the HNF1A gene have been described in several individuals HNF1A-related disorders (PMID: 15928245, 18003757). Collectively this evidence indicates that this variant is likely pathogenic; however functional studies have not been performed to prove this conclusively.